The following is an entry in ClinVar:

ClinVar aggregate classification (germline): Likely pathogenic (1 of 4 stars; one submission).

Submission:

Labcorp Genetics (formerly Invitae), Labcorp
Classification: Likely pathogenic. Last evaluated: 2021-08-12. Review status: criteria provided, single submitter. Criteria: Invitae Variant Classification Sherloc (09022015). Collection method: clinical testing. Allele origin: germline.
Comment: In summary, the currently available evidence indicates that the variant is pathogenic, but additional data are needed to prove that conclusively. Therefore, this variant has been classified as Likely Pathogenic. Algorithms developed to predict the effect of sequence changes on RNA splicing suggest that this variant may disrupt the consensus splice site. This variant has not been reported in the literature in individuals affected with C7-related conditions. This variant is not present in population databases (ExAC no frequency). This sequence change affects an acceptor splice site in intron 1 of the C7 gene. It is expected to disrupt RNA splicing. Variants that disrupt the donor or acceptor splice site typically lead to a loss of protein function (PMID: 16199547), and loss-of-function variants in C7 are known to be pathogenic (PMID: 9856499, 17407100).

Literature cited by the submitters: PubMed 16199547; PubMed 9856499; PubMed 17407100.

NM_000587.4(C7):c.7-2A>C

Gene: C7 (complement C7; plus strand). Cytogenetic location: 5p13.1.
Variant type: single nucleotide variant.
Coding change: c.7-2A>C on transcript NM_000587.4 (MANE Select); the canonical splice acceptor site of the intron before coding-DNA position 7, A replaced by C.
Molecular consequence: splice acceptor variant.
Genome position (GRCh38, 1-based): chr5:40,928,578, A>C. VCF-style: chr5-40928578-A-C. GRCh37 (hg19) VCF-style: chr5-40928680-A-C.
Identifiers: ClinVar variation 1511712 (VCV001511712.6), dbSNP rs2111571890, ClinGen allele CA359587277.